The following is an entry in ClinVar:

NM_000435.3(NOTCH3):c.5297T>C (p.Met1766Thr)

Gene: NOTCH3 (notch receptor 3; minus strand). Cytogenetic location: 19p13.12.
Variant type: single nucleotide variant.
Coding change: c.5297T>C on transcript NM_000435.3 (MANE Select); coding-DNA position 5297, T replaced by C.
Protein change: p.Met1766Thr; replaces methionine 1766 with threonine.
Molecular consequence: missense variant.
Genome position (GRCh38, 1-based): chr19:15,167,314, A>G on the plus strand (T>C on the coding strand, the complement: NOTCH3 is on the minus strand). VCF-style: chr19-15167314-A-G. GRCh37 (hg19) VCF-style: chr19-15278125-A-G.
Other names: short protein forms M1766T.
Identifiers: ClinVar variation 994122 (VCV000994122.8), dbSNP rs1420105350, ClinGen allele CA404495720.
Genomic context (GRCh38, chr19:15,167,314, plus strand): 5'-CCACGCACATTGACATCCATGCCATCAGCATCTGCGTCGCCCTGTGGTGGTGTCAGTGCC[A>G]TGGCTGGTGCCACGCGGATGTCAGCAGCAACCAGATGGTGTTGAGTCCACTGACGGCAAT-3'
Protein context (NP_000426.2, residues 1756-1776): VAADIRVAPA[Met1766Thr]ALTPPQGDAD

ClinVar aggregate classification (germline): Uncertain significance (1 of 4 stars; one submission).

Allele frequency attached by ClinVar (database versions not stated): gnomAD exomes 0.00001; TOPMed 0.00001.

Submission:

ARUP Laboratories, Molecular Genetics and Genomics, ARUP Laboratories
Classification: Uncertain significance. Last evaluated: 2019-10-01. Review status: criteria provided, single submitter. Criteria: ARUP Molecular Germline Variant Investigation Process. Collection method: clinical testing. Allele origin: germline.
Comment: The NOTCH3 c.5297T>C; p.Met1766Thr variant (rs1420105350), to our knowledge, is not reported in the medical literature or gene-specific databases. This variant is also absent from general population databases (Exome Variant Server, Genome Aggregation Database), indicating it is not a common polymorphism. The methionine at codon 1766 is highly conserved, but computational analyses (SIFT, PolyPhen-2) predict that this variant is tolerated. Most pathogenic NOTCH3 variants occur in exons 2-24 and either create or destroy a cysteine residue within an EGF-like domain (Rutten 2014). However, there are several amino acid substitutions not involving cysteine that may be disease-associated (Muino 2017). Although the p.Met1766Thr variant does not occur within this critical region or involve a cysteine residue, due to its low population frequency and conservation, its clinical significance is uncertain at this time. References: Muino E et al. Systematic Review of Cysteine-Sparing NOTCH3 Missense Mutations in Patients with Clinical Suspicion of CADASIL. Int J Mol Sci. 2017 Sep 13;18(9). pii: E1964. Rutten JW et al. Interpretation of NOTCH3 mutations in the diagnosis of CADASIL. Expert Rev Mol Diagn. 2014 Jun;14(5):593-603.